The following is an entry in ClinVar:

ClinVar aggregate classification (germline): Pathogenic (1 of 4 stars; one submission).

Submission:

GeneDx
Classification: Pathogenic. Last evaluated: 2018-03-16. Review status: criteria provided, single submitter. Criteria: GeneDx Variant Classification (06012015). Collection method: clinical testing. Allele origin: germline. Affected: yes.
Comment: The Q1353X variant in the LRP5 gene has not been reported previously as a pathogenic variant nor as a benign variant, to our knowledge. This variant is predicted to cause loss of normal protein function either through protein truncation or nonsense-mediated mRNA decay. The Q1353X variant is not observed in large population cohorts (Lek et al., 2016; 1000 Genomes Consortium et al., 2015; Exome Variant Server). We interpret Q1353X as a pathogenic variant.

NM_002335.4(LRP5):c.4057C>T (p.Gln1353Ter)

Gene: LRP5 (LDL receptor related protein 5; plus strand). Cytogenetic location: 11q13.2.
Variant type: single nucleotide variant.
Coding change: c.4057C>T on transcript NM_002335.4 (MANE Select); coding-DNA position 4057, C replaced by T.
Protein change: p.Gln1353Ter; replaces glutamine 1353 with a stop codon.
Molecular consequence: nonsense.
Genome position (GRCh38, 1-based): chr11:68,436,945, C>T. VCF-style: chr11-68436945-C-T. GRCh37 (hg19) VCF-style: chr11-68204413-C-T.
Other names: c.2314C>T, p.Gln772Ter (NM_001291902.2); short protein forms Q1353*, Q772*.
Identifiers: ClinVar variation 450539 (VCV000450539.2), dbSNP rs1554977547, ClinGen allele CA381614540.